The following is an entry in ClinVar:

ClinVar aggregate classification (germline): Uncertain significance (1 of 4 stars; one submission).

Submission:

Labcorp Genetics (formerly Invitae), Labcorp
Classification: Uncertain significance. Last evaluated: 2025-04-20. Review status: criteria provided, single submitter. Criteria: Invitae Variant Classification Sherloc (09022015). Collection method: clinical testing. Allele origin: germline.
Comment: This sequence change replaces leucine, which is neutral and non-polar, with valine, which is neutral and non-polar, at codon 228 of the PSMG2 protein (p.Leu228Val). This variant is present in population databases (rs199627548, gnomAD 0.0009%). This variant has not been reported in the literature in individuals affected with PSMG2-related conditions. An algorithm developed to predict the effect of missense changes on protein structure and function (PolyPhen-2) suggests that this variant is likely to be tolerated. In summary, the available evidence is currently insufficient to determine the role of this variant in disease. Therefore, it has been classified as a Variant of Uncertain Significance.

NM_020232.5(PSMG2):c.682C>G (p.Leu228Val)

Gene: PSMG2 (proteasome assembly chaperone 2; plus strand). Cytogenetic location: 18p11.21.
Variant type: single nucleotide variant.
Coding change: c.682C>G on transcript NM_020232.5 (MANE Select); coding-DNA position 682, C replaced by G.
Protein change: p.Leu228Val; replaces leucine 228 with valine.
Molecular consequence: missense variant.
Genome position (GRCh38, 1-based): chr18:12,724,599, C>G. VCF-style: chr18-12724599-C-G. GRCh37 (hg19) VCF-style: chr18-12724598-C-G.
Other names: c.589C>G, p.Leu197Val (NM_147163.2); short protein forms L228V, L197V.
Identifiers: ClinVar variation 4764781 (VCV004764781.1).